The following is an entry in ClinVar:

NM_000350.3(ABCA4):c.570+2T>C

Gene: ABCA4 (ATP binding cassette subfamily A member 4; minus strand). Cytogenetic location: 1p22.1.
Variant type: single nucleotide variant.
Coding change: c.570+2T>C on transcript NM_000350.3 (MANE Select); the canonical splice donor site of the intron after coding-DNA position 570, T replaced by C.
Molecular consequence: splice donor variant.
Genome position (GRCh38, 1-based): chr1:94,103,013, A>G on the plus strand (T>C on the coding strand, the complement: ABCA4 is on the minus strand). VCF-style: chr1-94103013-A-G. GRCh37 (hg19) VCF-style: chr1-94568569-A-G.
Identifiers: ClinVar variation 2035869 (VCV002035869.4), dbSNP rs2523979837, ClinGen allele CA341290548.

ClinVar aggregate classification (germline): Pathogenic (1 of 4 stars; one submission).

Submission:

Labcorp Genetics (formerly Invitae), Labcorp
Classification: Pathogenic. Last evaluated: 2023-07-14. Review status: criteria provided, single submitter. Criteria: Invitae Variant Classification Sherloc (09022015). Collection method: clinical testing. Allele origin: germline.
Comment: For these reasons, this variant has been classified as Pathogenic. Algorithms developed to predict the effect of sequence changes on RNA splicing suggest that this variant may disrupt the consensus splice site. ClinVar contains an entry for this variant (Variation ID: 2035869). Disruption of this splice site has been observed in individual(s) with clinical features of Stargardt disease (PMID: 25922843). In at least one individual the data is consistent with being in trans (on the opposite chromosome) from a pathogenic variant. This variant is not present in population databases (gnomAD no frequency). This sequence change affects a donor splice site in intron 5 of the ABCA4 gene. It is expected to disrupt RNA splicing. Variants that disrupt the donor or acceptor splice site typically lead to a loss of protein function (PMID: 16199547), and loss-of-function variants in ABCA4 are known to be pathogenic (PMID: 10958761, 24938718, 25312043, 26780318).

Literature cited by the submitters: PubMed 25922843; PubMed 16199547; PubMed 10958761; PubMed 24938718; PubMed 25312043; PubMed 26780318.